The following is an entry in ClinVar:

ClinVar aggregate classification (germline): Uncertain significance. Review status: criteria provided, multiple submitters, no conflicts (2 of 4 stars). 2 submissions from 2 submitters: Uncertain significance (2). Last evaluated 2025-03-25.

Conditions:
Immunodeficiency 14 (IMD14A). Also called: ACTIVATED PI3K-DELTA SYNDROME 1; Activated PI3K Delta Syndrome Type 1 (APDS1); p110-DELTA-ACTIVATING MUTATION CAUSING SENESCENT T CELLS, LYMPHADENOPATHY, AND IMMUNODEFICIENCY; IMMUNODEFICIENCY 14A WITH LYMPHOPROLIFERATION, AUTOSOMAL DOMINANT. Identifiers: Orphanet 397596, Orphanet 693661, MedGen C5907821, MONDO:0014222, OMIM 615513.

Allele frequency attached by ClinVar (database versions not stated): gnomAD exomes below 0.00001; gnomAD 0.00001; TOPMed 0.00002.
gnomAD v4.1: 6 of 1,613,744 alleles (0.00037%); highest among the groups gnomAD compares: African/African-American, 0.0013%; no homozygotes.

Submissions (2):

Labcorp Genetics (formerly Invitae), Labcorp
Classification: Uncertain significance for Activated PI3K-delta syndrome. Last evaluated: 2025-03-25. Review status: criteria provided, single submitter. Criteria: Invitae Variant Classification Sherloc (09022015). Collection method: clinical testing. Allele origin: germline.
Comment: This sequence change replaces glutamic acid, which is acidic and polar, with lysine, which is basic and polar, at codon 628 of the PIK3CD protein (p.Glu628Lys). This variant is present in population databases (no rsID available, gnomAD 0.0009%). This variant has not been reported in the literature in individuals affected with PIK3CD-related conditions. ClinVar contains an entry for this variant (Variation ID: 1381135). Invitae Evidence Modeling of protein sequence and biophysical properties (such as structural, functional, and spatial information, amino acid conservation, physicochemical variation, residue mobility, and thermodynamic stability) has been performed for this missense variant. However, the output from this modeling did not meet the statistical confidence thresholds required to predict the impact of this variant on PIK3CD protein function. In summary, the available evidence is currently insufficient to determine the role of this variant in disease. Therefore, it has been classified as a Variant of Uncertain Significance.

Blueprint Genetics
Classification: Uncertain significance. Last evaluated: 2020-07-06. Review status: criteria provided, single submitter. Criteria: ACMG Guidelines, 2015. Collection method: clinical testing. Allele origin: germline.

NM_005026.5(PIK3CD):c.1882G>A (p.Glu628Lys)

Gene: PIK3CD (phosphatidylinositol-4,5-bisphosphate 3-kinase catalytic subunit delta; plus strand). Cytogenetic location: 1p36.22.
Variant type: single nucleotide variant.
Coding change: c.1882G>A on transcript NM_005026.5 (MANE Select); coding-DNA position 1882, G replaced by A.
Protein change: p.Glu628Lys; replaces glutamic acid 628 with lysine.
Molecular consequence: missense variant.
Genome position (GRCh38, 1-based): chr1:9,721,514, G>A. VCF-style: chr1-9721514-G-A. GRCh37 (hg19) VCF-style: chr1-9781572-G-A.
Other names: c.1879G>A, p.Glu627Lys (NM_001350234.2); c.1795G>A, p.Glu599Lys (NM_001350235.1); short protein forms E599K, E627K, E628K.
Identifiers: ClinVar variation 1381135 (VCV001381135.7), dbSNP rs1287221059, ClinGen allele CA338304523.
Genomic context (GRCh38, chr1:9,721,514, plus strand): 5'-CTGTTCCAGTACCTGCTGCAGCTGGTGCAGGTGCTCAAGTACGAGTCCTACCTGGACTGC[G>A]AGCTGACCAAATTCCTGCTGGACCGGGCCCTGGCCAACCGCAAGATCGGCCACTTCCTTT-3'
Protein context (NP_005017.3, residues 618-638): VLKYESYLDC[Glu628Lys]LTKFLLDRAL